The following is an entry in ClinVar:

NM_206933.4(USH2A):c.5578G>A (p.Gly1860Ser)

Genes: USH2A (usherin; minus strand), USH2A-AS2 (USH2A antisense RNA 2; plus strand). Cytogenetic location: 1q41.
Variant type: single nucleotide variant.
Coding change: c.5578G>A on transcript NM_206933.4 (MANE Select); coding-DNA position 5578, G replaced by A.
Protein change: p.Gly1860Ser; replaces glycine 1860 with serine.
Molecular consequence: missense variant.
Genome position (GRCh38, 1-based): chr1:216,073,295, C>T on the plus strand (G>A on the coding strand, the complement: USH2A is on the minus strand). VCF-style: chr1-216073295-C-T. GRCh37 (hg19) VCF-style: chr1-216246637-C-T.
Other names: short protein forms G1860S.
Identifiers: ClinVar variation 2173336 (VCV002173336.2), dbSNP rs759065885, ClinGen allele CA1395409.

ClinVar aggregate classification (germline): Uncertain significance. Review status: criteria provided, multiple submitters, no conflicts (2 of 4 stars). 2 submissions from 2 submitters: Uncertain significance (2). Last evaluated 2022-08-09.

Allele frequency attached by ClinVar (database versions not stated): ExAC 0.00001; gnomAD 0.00001; TOPMed 0.00003.
gnomAD v4.1: 15 of 1,612,096 alleles (0.00093%); highest among the groups gnomAD compares: Admixed American, 0.005%; no homozygotes.

Submissions (2):

Labcorp Genetics (formerly Invitae), Labcorp
Classification: Uncertain significance. Last evaluated: 2022-08-09. Review status: criteria provided, single submitter. Criteria: Invitae Variant Classification Sherloc (09022015). Collection method: clinical testing. Allele origin: germline.
Comment: This sequence change replaces glycine, which is neutral and non-polar, with serine, which is neutral and polar, at codon 1860 of the USH2A protein (p.Gly1860Ser). This variant is present in population databases (rs759065885, gnomAD 0.006%). This variant has not been reported in the literature in individuals affected with USH2A-related conditions. Algorithms developed to predict the effect of missense changes on protein structure and function output the following: SIFT: "Tolerated"; PolyPhen-2: "Possibly Damaging"; Align-GVGD: "Class C0". The serine amino acid residue is found in multiple mammalian species, which suggests that this missense change does not adversely affect protein function. In summary, the available evidence is currently insufficient to determine the role of this variant in disease. Therefore, it has been classified as a Variant of Uncertain Significance.

Blueprint Genetics
Classification: Uncertain significance. Last evaluated: 2022-02-15. Review status: criteria provided, single submitter. Criteria: ACMG Guidelines, 2015. Collection method: clinical testing. Allele origin: germline.